The following is an entry in ClinVar:

NM_000138.5(FBN1):c.7739del (p.Gly2580fs)

Gene: FBN1 (fibrillin 1; minus strand). Cytogenetic location: 15q21.1.
Variant type: Deletion.
Coding change: c.7739del on transcript NM_000138.5 (MANE Select); coding-DNA position 7739, one base deleted (G; older notation c.7739delG).
Protein change: p.Gly2580fs; shifts the reading frame from glycine 2580.
Molecular consequence: frameshift variant.
Genome position (GRCh38, 1-based): chr15:48,420,767, C deleted on the plus strand (G on the coding strand, the reverse complement: FBN1 is on the minus strand); the first of 2 consecutive C bases (chr15:48,420,767-48,420,768); deleting either gives the same sequence. VCF-style (leftmost placement, unchanged base first): chr15-48420766-GC-G. GRCh37 (hg19) VCF-style: chr15-48712963-GC-G.
Other names: c.7739del, p.Gly2580fs (NM_001406716.1); short protein forms G2580fs.
Identifiers: ClinVar variation 4784211 (VCV004784211.1).

ClinVar aggregate classification (germline): Pathogenic (1 of 4 stars; one submission).

Conditions:
Marfan syndrome (MFS). Also called: FBN1-Related Marfan Syndrome; MARFAN SYNDROME, TYPE I; Marfan syndrome type 1; Marfan's syndrome; Marfan syndrome, classic. Identifiers: Orphanet 284963, Orphanet 558, MedGen C0024796, MONDO:0007947, OMIM 154700.
Familial thoracic aortic aneurysm and aortic dissection (TAAD). Also called: Thoracic aortic aneurysms and dissections. Identifiers: Orphanet 91387, MedGen C4707243, MONDO:0019625.

Submission:

Labcorp Genetics (formerly Invitae), Labcorp
Classification: Pathogenic for Marfan syndrome; Familial thoracic aortic aneurysm and aortic dissection. Last evaluated: 2025-02-18. Review status: criteria provided, single submitter. Criteria: Invitae Variant Classification Sherloc (09022015). Collection method: clinical testing. Allele origin: germline.
Comment: This sequence change creates a premature translational stop signal (p.Gly2580Alafs*102) in the FBN1 gene. It is expected to result in an absent or disrupted protein product. Loss-of-function variants in FBN1 are known to be pathogenic (PMID: 17657824, 19293843). This variant is not present in population databases (gnomAD no frequency). This variant has not been reported in the literature in individuals affected with FBN1-related conditions. For these reasons, this variant has been classified as Pathogenic.

Literature cited by the submitters: PubMed 17657824; PubMed 19293843.